The following is an entry in ClinVar:

ClinVar aggregate classification (germline): Likely benign. Review status: criteria provided, multiple submitters, no conflicts (2 of 4 stars). 2 submissions from 2 submitters: Likely benign (2). Last evaluated 2025-09-07.

Allele frequency attached by ClinVar (database versions not stated): gnomAD exomes 0.00001 and 0.00002; TOPMed 0.00001; ExAC 0.00002; ESP Exome Variant Server 0.00008.
gnomAD v4.1: 7 of 1,614,004 alleles (0.00043%); highest among the groups gnomAD compares: East Asian, 0.0022%; no homozygotes.

Submissions (2):

Labcorp Genetics (formerly Invitae), Labcorp
Classification: Likely benign. Last evaluated: 2025-09-07. Review status: criteria provided, single submitter. Criteria: Invitae Variant Classification Sherloc (09022015). Collection method: clinical testing. Allele origin: germline.

CeGaT Center for Human Genetics Tuebingen
Classification: Likely benign. Last evaluated: 2024-06-01. Review status: criteria provided, single submitter. Criteria: CeGaT Center For Human Genetics Tuebingen Variant Classification Criteria Version 2. Collection method: clinical testing. Allele origin: germline. Affected: yes. Observed: 1 variant allele.
Comment: SETD5: BP4, BP7

NM_001080517.3(SETD5):c.1863G>A (p.Arg621=)

Gene: SETD5 (SET domain containing 5; plus strand). Cytogenetic location: 3p25.3.
Variant type: single nucleotide variant.
Coding change: c.1863G>A on transcript NM_001080517.3 (MANE Select); coding-DNA position 1863, G replaced by A.
Protein change: p.Arg621=; no amino-acid change (arginine 621 retained).
Molecular consequence: synonymous variant.
Genome position (GRCh38, 1-based): chr3:9,447,766, G>A. VCF-style: chr3-9447766-G-A. GRCh37 (hg19) VCF-style: chr3-9489450-G-A.
Other names: c.1569G>A, p.Arg523= (NM_001292043.2, NM_001349451.2).
Identifiers: ClinVar variation 717545 (VCV000717545.22), dbSNP rs374237333, ClinGen allele CA2239320.